The following is an entry in ClinVar:

NM_177438.3(DICER1):c.3376A>G (p.Thr1126Ala)

Gene: DICER1 (dicer 1, ribonuclease III; minus strand). Cytogenetic location: 14q32.13.
Variant type: single nucleotide variant.
Coding change: c.3376A>G on transcript NM_177438.3 (MANE Select); coding-DNA position 3376, A replaced by G.
Protein change: p.Thr1126Ala; replaces threonine 1126 with alanine.
Molecular consequence: missense variant.
Genome position (GRCh38, 1-based): chr14:95,104,020, T>C on the plus strand (A>G on the coding strand, the complement: DICER1 is on the minus strand). VCF-style: chr14-95104020-T-C. GRCh37 (hg19) VCF-style: chr14-95570357-T-C.
Other names: c.3376A>G, p.Thr1126Ala (NM_001195573.1, NM_001271282.3, NM_001291628.2 and 1 more transcripts); short protein forms T1126A.
Identifiers: ClinVar variation 1010722 (VCV001010722.13), dbSNP rs1296404230, ClinGen allele CA390875683.

ClinVar aggregate classification (germline): Uncertain significance. Review status: criteria provided, multiple submitters, no conflicts (2 of 4 stars). 2 submissions from 2 submitters: Uncertain significance (2). Last evaluated 2025-05-05.

Conditions:
DICER1-related tumor predisposition. Also called: DICER1-related pleuropulmonary blastoma cancer predisposition syndrome; DICER1 syndrome. Identifiers: Orphanet 284343, MedGen C3839822, MONDO:0100216.
Hereditary cancer-predisposing syndrome. Also called: Tumor predisposition; Hereditary Cancer Syndrome; Neoplastic Syndromes, Hereditary; Hereditary neoplastic syndrome. Identifiers: Orphanet 140162, MedGen C0027672, MeSH D009386, MONDO:0015356.

Allele frequency attached by ClinVar (database versions not stated): gnomAD exomes below 0.00001.
gnomAD v4.1: 1 of 1,614,200 alleles (0.000062%); highest among the groups gnomAD compares: Non-Finnish European, 0.000085%; no homozygotes.

Submissions (2):

Labcorp Genetics (formerly Invitae), Labcorp
Classification: Uncertain significance for DICER1-related tumor predisposition. Last evaluated: 2025-05-05. Review status: criteria provided, single submitter. Criteria: Invitae Variant Classification Sherloc (09022015). Collection method: clinical testing. Allele origin: germline.
Comment: This sequence change replaces threonine, which is neutral and polar, with alanine, which is neutral and non-polar, at codon 1126 of the DICER1 protein (p.Thr1126Ala). This variant is present in population databases (no rsID available, gnomAD 0.0009%). This variant has not been reported in the literature in individuals affected with DICER1-related conditions. ClinVar contains an entry for this variant (Variation ID: 1010722). Invitae Evidence Modeling of protein sequence and biophysical properties (such as structural, functional, and spatial information, amino acid conservation, physicochemical variation, residue mobility, and thermodynamic stability) indicates that this missense variant is not expected to disrupt DICER1 protein function with a negative predictive value of 95%. In summary, the available evidence is currently insufficient to determine the role of this variant in disease. Therefore, it has been classified as a Variant of Uncertain Significance.

Ambry Genetics
Classification: Uncertain significance for Hereditary cancer-predisposing syndrome. Last evaluated: 2024-07-10. Review status: criteria provided, single submitter. Criteria: Ambry Variant Classification Scheme 2023. Collection method: clinical testing. Allele origin: germline.
Comment: The p.T1126A variant (also known as c.3376A>G), located in coding exon 20 of the DICER1 gene, results from an A to G substitution at nucleotide position 3376. The threonine at codon 1126 is replaced by alanine, an amino acid with similar properties. This amino acid position is well conserved in available vertebrate species. In addition, the in silico prediction for this alteration is inconclusive. Based on the available evidence, the clinical significance of this variant remains unclear.